The following is an entry in ClinVar:

NM_003737.4(DCHS1):c.4469C>G (p.Ala1490Gly)

Gene: DCHS1 (dachsous cadherin-related 1; minus strand). Cytogenetic location: 11p15.4.
Variant type: single nucleotide variant.
Coding change: c.4469C>G on transcript NM_003737.4 (MANE Select); coding-DNA position 4469, C replaced by G.
Protein change: p.Ala1490Gly; replaces alanine 1490 with glycine.
Molecular consequence: missense variant.
Genome position (GRCh38, 1-based): chr11:6,630,325, G>C on the plus strand (C>G on the coding strand, the complement: DCHS1 is on the minus strand). VCF-style: chr11-6630325-G-C. GRCh37 (hg19) VCF-style: chr11-6651556-G-C.
Other names: short protein forms A1490G.
Identifiers: ClinVar variation 3607281 (VCV003607281.2).

ClinVar aggregate classification (germline): Uncertain significance (1 of 4 stars; one submission).

gnomAD v4.1: 5 of 1,329,780 alleles (0.00038%); highest among the groups gnomAD compares: East Asian, 0.017%; no homozygotes.

Submission:

Labcorp Genetics (formerly Invitae), Labcorp
Classification: Uncertain significance. Last evaluated: 2024-10-12. Review status: criteria provided, single submitter. Criteria: Invitae Variant Classification Sherloc (09022015). Collection method: clinical testing. Allele origin: germline.
Comment: This sequence change replaces alanine, which is neutral and non-polar, with glycine, which is neutral and non-polar, at codon 1490 of the DCHS1 protein (p.Ala1490Gly). The frequency data for this variant in the population databases is considered unreliable, as metrics indicate poor data quality at this position in the gnomAD database. This variant has not been reported in the literature in individuals affected with DCHS1-related conditions. Invitae Evidence Modeling of protein sequence and biophysical properties (such as structural, functional, and spatial information, amino acid conservation, physicochemical variation, residue mobility, and thermodynamic stability) indicates that this missense variant is not expected to disrupt DCHS1 protein function with a negative predictive value of 80%. In summary, the available evidence is currently insufficient to determine the role of this variant in disease. Therefore, it has been classified as a Variant of Uncertain Significance.